The following is an entry in ClinVar:

NM_152564.5(VPS13B):c.6711C>G (p.Leu2237=)

Gene: VPS13B (vacuolar protein sorting 13 homolog B; plus strand). Cytogenetic location: 8q22.2.
Variant type: single nucleotide variant.
Coding change: c.6711C>G on transcript NM_152564.5 (MANE Select); coding-DNA position 6711, C replaced by G.
Protein change: p.Leu2237=; no amino-acid change (leucine 2237 retained).
Molecular consequence: synonymous variant.
Genome position (GRCh38, 1-based): chr8:99,720,398, C>G. VCF-style: chr8-99720398-C-G. GRCh37 (hg19) VCF-style: chr8-100732626-C-G.
Other names: c.6786C>G, p.Leu2262= (NM_017890.5).
Identifiers: ClinVar variation 2183995 (VCV002183995.5), dbSNP rs769974060, ClinGen allele CA4824078.
Genomic context (GRCh38, chr8:99,720,398, plus strand): 5'-TTTAAAGGTCTTCTGGGGTCAAGAACATTTGAATTGTTTAGTTCTTCTACATGAATTACT[C>G]AATGGATACCTTAATGAGGAGGGAAATTTTGAAGTACAAGTTTCTGAACCAGTGCCTCAA-3'
Protein context (NP_689777.3, residues 2227-2247): LNCLVLLHEL[Leu2237=]NGYLNEEGNF

ClinVar aggregate classification (germline): Likely benign. Review status: criteria provided, multiple submitters, no conflicts (2 of 4 stars). 2 submissions from 2 submitters: Likely benign (2). Last evaluated 2026-06-29.

Conditions:
Cohen syndrome (COH1). Also called: PEPPER SYNDROME; Cutis verticis gyrata, retinitis pigmentosa, and sensorineural deafness. Identifiers: Orphanet 193, MedGen C0265223, MONDO:0008999, OMIM 216550.
VPS13B-related disorder. Also called: VPS13B-related condition.

Allele frequency attached by ClinVar (database versions not stated): gnomAD 0.00001; TOPMed 0.00001; ExAC 0.00002.
gnomAD v4.1: 2 of 1,613,726 alleles (0.00012%); highest among the groups gnomAD compares: African/African-American, 0.0013%; no homozygotes.

Submissions (2):

PreventionGenetics, part of Exact Sciences
Classification: Likely benign for VPS13B-related condition. Last evaluated: 2026-06-29. Review status: criteria provided, single submitter. Criteria: ACMG Guidelines, 2015. Collection method: clinical testing. Allele origin: germline.
Comment: This variant is classified as likely benign based on ACMG/AMP sequence variant interpretation guidelines (Richards et al. 2015 PMID: 25741868, with internal and published modifications).

Labcorp Genetics (formerly Invitae), Labcorp
Classification: Likely benign for Cohen syndrome. Last evaluated: 2022-04-20. Review status: criteria provided, single submitter. Criteria: Invitae Variant Classification Sherloc (09022015). Collection method: clinical testing. Allele origin: germline.